The following is an entry in ClinVar:

NM_001429.4(EP300):c.6413C>T (p.Ala2138Val)

Gene: EP300 (EP300 lysine acetyltransferase; plus strand). Cytogenetic location: 22q13.2.
Variant type: single nucleotide variant.
Coding change: c.6413C>T on transcript NM_001429.4 (MANE Select); coding-DNA position 6413, C replaced by T.
Protein change: p.Ala2138Val; replaces alanine 2138 with valine.
Molecular consequence: missense variant.
Genome position (GRCh38, 1-based): chr22:41,178,124, C>T. VCF-style: chr22-41178124-C-T. GRCh37 (hg19) VCF-style: chr22-41574128-C-T.
Other names: c.6335C>T, p.Ala2112Val (NM_001362843.2); c.6413C>T (NM_001429.3); short protein forms A2138V, A2112V.
Identifiers: ClinVar variation 134053 (VCV000134053.41), dbSNP rs587778258, ClinGen allele CA158516.

ClinVar aggregate classification (germline): Benign/Likely benign. Review status: criteria provided, multiple submitters, no conflicts (2 of 4 stars). 4 submissions from 4 submitters: Benign (1); Likely benign (1). 2 of the submissions do not count toward it. Last evaluated 2024-03-11.

Conditions:
EP300-related disorder. Also called: EP300-related disorders; EP300-related condition.
Rubinstein-Taybi syndrome due to EP300 haploinsufficiency. Also called: RUBINSTEIN-TAYBI SYNDROME 2; EP300-Related Rubinstein-Taybi Syndrome. Identifiers: Orphanet 353284, Orphanet 783, MedGen C3150941, MONDO:0013364, OMIM 613684.

Allele frequency attached by ClinVar (database versions not stated): ExAC 0.00002; gnomAD exomes 0.00002; gnomAD 0.00003; TOPMed 0.00003.
gnomAD v4.1: 30 of 1,614,022 alleles (0.0019%); highest among the groups gnomAD compares: South Asian, 0.0044%; no homozygotes.

Submissions (4):

Labcorp Genetics (formerly Invitae), Labcorp
Classification: Benign for Rubinstein-Taybi syndrome due to EP300 haploinsufficiency. Last evaluated: 2024-03-11. Review status: criteria provided, single submitter. Criteria: Invitae Variant Classification Sherloc (09022015). Collection method: clinical testing. Allele origin: germline.

CeGaT Center for Human Genetics Tuebingen
Classification: Likely benign. Last evaluated: 2021-11-01. Review status: criteria provided, single submitter. Criteria: CeGaT Center For Human Genetics Tuebingen Variant Classification Criteria Version 2. Collection method: clinical testing. Allele origin: germline. Affected: yes. Observed: 1 variant allele.

PreventionGenetics, part of Exact Sciences
Classification: Likely benign for EP300-related condition. Last evaluated: 2021-09-10. Review status: no assertion criteria provided. Collection method: clinical testing. Allele origin: germline. Not counted in ClinVar's aggregate classification.
Comment: This variant is classified as likely benign based on ACMG/AMP sequence variant interpretation guidelines (Richards et al. 2015 PMID: 25741868, with internal and published modifications).

ITMI
No classification provided. Condition: AllHighlyPenetrant. Last evaluated: 2013-09-19. Review status: no classification provided. Collection method: reference population. Allele origin: germline. Not counted in ClinVar's aggregate classification.
Comment: Please see associated publication for description of ethnicities

Literature cited by the submitters: PubMed 24728327 (cited by ITMI).